The following is an entry in ClinVar:

NM_005245.4(FAT1):c.3164C>T (p.Thr1055Met)

Gene: FAT1 (FAT atypical cadherin 1; minus strand). Cytogenetic location: 4q35.2.
Variant type: single nucleotide variant.
Coding change: c.3164C>T on transcript NM_005245.4 (MANE Select); coding-DNA position 3164, C replaced by T.
Protein change: p.Thr1055Met; replaces threonine 1055 with methionine.
Molecular consequence: missense variant.
Genome position (GRCh38, 1-based): chr4:186,706,664, G>A on the plus strand (C>T on the coding strand, the complement: FAT1 is on the minus strand). VCF-style: chr4-186706664-G-A. GRCh37 (hg19) VCF-style: chr4-187627818-G-A.
Other names: p.Thr1055Met; c.3164C>T (NM_005245.3); short protein forms T1055M.
Identifiers: ClinVar variation 2062900 (VCV002062900.7), dbSNP rs149283579, ClinGen allele CA3167104.

ClinVar aggregate classification (germline): Likely benign. Review status: criteria provided, multiple submitters, no conflicts (2 of 4 stars). 3 submissions from 3 submitters: Likely benign (2). 1 of the submissions does not count toward it. Last evaluated 2025-11-19.

Conditions:
FAT1-related disorder. Also called: FAT1-related condition.

Allele frequency attached by ClinVar (database versions not stated): gnomAD 0.00137; TOPMed 0.00143; 1000 Genomes Project 30x 0.00250; ExAC 0.00046; 1000 Genomes Project 0.00260; ESP Exome Variant Server 0.00146.

Submissions (3):

Mayo Clinic Laboratories, Mayo Clinic
Classification: Likely benign. Last evaluated: 2025-11-19. Review status: criteria provided, single submitter. Criteria: ACMG Guidelines, 2015. Collection method: clinical testing. Allele origin: germline. Observed: 1 variant allele.
Comment: BS1, BP4

Labcorp Genetics (formerly Invitae), Labcorp
Classification: Likely benign. Last evaluated: 2025-09-20. Review status: criteria provided, single submitter. Criteria: Invitae Variant Classification Sherloc (09022015). Collection method: clinical testing. Allele origin: germline.

PreventionGenetics, part of Exact Sciences
Classification: Likely benign for FAT1-related condition. Last evaluated: 2021-04-19. Review status: no assertion criteria provided. Collection method: clinical testing. Allele origin: germline. Not counted in ClinVar's aggregate classification.
Comment: This variant is classified as likely benign based on ACMG/AMP sequence variant interpretation guidelines (Richards et al. 2015 PMID: 25741868, with internal and published modifications).